The following is an entry in ClinVar:

ClinVar aggregate classification (germline): Uncertain significance. Review status: criteria provided, multiple submitters, no conflicts (2 of 4 stars). 2 submissions from 2 submitters: Uncertain significance (2). Last evaluated 2025-07-23.

Conditions:
GLI3-related disorder. Also called: GLI3-related disorders; GLI3-related condition. Identifiers: MedGen CN239292.
Greig cephalopolysyndactyly syndrome (GCPS). Also called: Greig syndrome; GLI3-Related Greig Cephalopolysyndactyly Syndrome; POLYSYNDACTYLY WITH PECULIAR SKULL SHAPE. Identifiers: Orphanet 380, MedGen C0265306, MONDO:0008287, OMIM 175700.
Polysyndactyly 4. Also called: Polysyndactyly uncomplicated; Preaxial polydactyly 4. Identifiers: Orphanet 93338, MedGen C1868111, MONDO:0008272, OMIM 174700.
Polydactyly, postaxial, type A1. Identifiers: MedGen C4282400, MONDO:0008266, OMIM 174200.
Pallister-Hall syndrome (PHS). Also called: GLI3-Related Pallister-Hall Syndrome; HYPOTHALAMIC HAMARTOBLASTOMA, HYPOPITUITARISM, IMPERFORATE ANUS, AND POSTAXIAL POLYDACTYLY. Identifiers: Orphanet 672, MedGen C0265220, MONDO:0007804, OMIM 146510.

gnomAD v4.1: 10 of 1,611,194 alleles (0.00062%); highest among the groups gnomAD compares: African/African-American, 0.0094%; no homozygotes.

Submissions (2):

PreventionGenetics, part of Exact Sciences
Classification: Uncertain significance for GLI3-related condition. Last evaluated: 2025-07-23. Review status: criteria provided, single submitter. Criteria: ACMG Guidelines, 2015. Collection method: clinical testing. Allele origin: germline.
Comment: The GLI3 c.3451C>A variant is predicted to result in the amino acid substitution p.Pro1151Thr. To our knowledge, this variant has not been reported in the literature. This variant is reported in 0.025% of alleles in individuals of African descent in gnomAD. Although we suspect that this variant may be benign, at this time, the clinical significance of this variant is uncertain due to the absence of conclusive functional and genetic evidence.

Fulgent Genetics
Classification: Uncertain significance for Pallister-Hall syndrome; Polydactyly, postaxial, type A1; Polysyndactyly 4; Greig cephalopolysyndactyly syndrome. Last evaluated: 2024-06-04. Review status: criteria provided, single submitter. Criteria: ACMG Guidelines, 2015. Collection method: clinical testing. Allele origin: germline.

NM_000168.6(GLI3):c.3451C>A (p.Pro1151Thr)

Gene: GLI3 (GLI family zinc finger 3; minus strand). Cytogenetic location: 7p14.1.
Variant type: single nucleotide variant.
Coding change: c.3451C>A on transcript NM_000168.6 (MANE Select); coding-DNA position 3451, C replaced by A.
Protein change: p.Pro1151Thr; replaces proline 1151 with threonine.
Molecular consequence: missense variant.
Genome position (GRCh38, 1-based): chr7:41,965,622, G>T on the plus strand (C>A on the coding strand, the complement: GLI3 is on the minus strand). VCF-style: chr7-41965622-G-T. GRCh37 (hg19) VCF-style: chr7-42005220-G-T.
Other names: c.3451C>A (NM_000168.5); short protein forms P1151T.
Identifiers: ClinVar variation 3594633 (VCV003594633.2).